The following is an entry in ClinVar:

NM_004990.4(MARS1):c.2163G>C (p.Val721=)

Gene: MARS1 (methionyl-tRNA synthetase 1; plus strand). Cytogenetic location: 12q13.3.
Variant type: single nucleotide variant.
Coding change: c.2163G>C on transcript NM_004990.4 (MANE Select); coding-DNA position 2163, G replaced by C.
Protein change: p.Val721=; no amino-acid change (valine 721 retained).
Molecular consequence: synonymous variant.
Genome position (GRCh38, 1-based): chr12:57,515,017, G>C. VCF-style: chr12-57515017-G-C. GRCh37 (hg19) VCF-style: chr12-57908800-G-C.
Identifiers: ClinVar variation 475420 (VCV000475420.35), dbSNP rs762587995, ClinGen allele CA6650724.

ClinVar aggregate classification (germline): Likely benign. Review status: criteria provided, multiple submitters, no conflicts (2 of 4 stars). 4 submissions from 4 submitters: Likely benign (4). Last evaluated 2025-11-21.

Conditions:
Charcot-Marie-Tooth disease. Also called: Charcot-Marie-Tooth Hereditary Neuropathy; Charcot-Marie-Tooth Neuropathy. Identifiers: Orphanet 166, MedGen C0007959, MONDO:0015626.
Severe early-onset pulmonary alveolar proteinosis due to MARS deficiency. Also called: PULMONARY ALVEOLAR PROTEINOSIS, REUNION ISLAND; Interstitial lung and liver disease. Identifiers: Orphanet 440427, MedGen C4225400, MONDO:0014206, OMIM 615486.
Charcot-Marie-Tooth disease axonal type 2U. Also called: CHARCOT-MARIE-TOOTH NEUROPATHY, TYPE 2U; CHARCOT-MARIE-TOOTH DISEASE, AXONAL, AUTOSOMAL DOMINANT, TYPE 2U. Identifiers: Orphanet 397735, MedGen C4084821, MONDO:0014566, OMIM 616280.

Allele frequency attached by ClinVar (database versions not stated): ExAC 0.00001; gnomAD 0.00002 and 0.00003; gnomAD exomes 0.00003 and 0.00006; TOPMed 0.00005.
gnomAD v4.1: 109 of 1,614,072 alleles (0.0068%); highest among the groups gnomAD compares: Non-Finnish European, 0.0081%; no homozygotes.

Submissions (4):

Labcorp Genetics (formerly Invitae), Labcorp
Classification: Likely benign for Charcot-Marie-Tooth disease axonal type 2U; Severe early-onset pulmonary alveolar proteinosis due to MARS deficiency. Last evaluated: 2025-11-21. Review status: criteria provided, single submitter. Criteria: Invitae Variant Classification Sherloc (09022015). Collection method: clinical testing. Allele origin: germline.

CeGaT Center for Human Genetics Tuebingen
Classification: Likely benign. Last evaluated: 2024-02-01. Review status: criteria provided, single submitter. Criteria: CeGaT Center For Human Genetics Tuebingen Variant Classification Criteria Version 2. Collection method: clinical testing. Allele origin: germline. Affected: yes. Observed: 1 variant allele.
Comment: MARS1: BP4, BP7

Ambry Genetics
Classification: Likely benign. Last evaluated: 2019-07-11. Review status: criteria provided, single submitter. Criteria: Ambry Variant Classification Scheme 2023. Collection method: clinical testing. Allele origin: germline.

Molecular Genetics Laboratory, London Health Sciences Centre
Classification: Likely benign for Charcot-Marie-Tooth disease. Review status: criteria provided, single submitter. Criteria: ACMG Guidelines, 2015. Collection method: clinical testing. Allele origin: germline. Affected: yes.